The following is an entry in ClinVar:

NM_001199138.2(NLRC4):c.337T>C (p.Ser113Pro)

Gene: NLRC4 (NLR family CARD domain containing 4; minus strand). Cytogenetic location: 2p22.3.
Variant type: single nucleotide variant.
Coding change: c.337T>C on transcript NM_001199138.2 (MANE Select); coding-DNA position 337, T replaced by C.
Protein change: p.Ser113Pro; replaces serine 113 with proline.
Molecular consequence: missense variant. On other transcripts: intron variant (1).
Genome position (GRCh38, 1-based): chr2:32,251,527, A>G on the plus strand (T>C on the coding strand, the complement: NLRC4 is on the minus strand). VCF-style: chr2-32251527-A-G. GRCh37 (hg19) VCF-style: chr2-32476596-A-G.
Other names: c.337T>C, p.Ser113Pro (NM_001199139.2, NM_021209.5); c.262+892T>C (NM_001302504.1); short protein forms S113P.
Identifiers: ClinVar variation 2932830 (VCV002932830.4), dbSNP rs1300595167, ClinGen allele CA346516445.

ClinVar aggregate classification (germline): Uncertain significance. Review status: criteria provided, multiple submitters, no conflicts (2 of 4 stars). 2 submissions from 2 submitters: Uncertain significance (2). Last evaluated 2025-08-30.

Conditions:
Inborn genetic diseases. Identifiers: MedGen C0950123, MeSH D030342.
Periodic fever-infantile enterocolitis-autoinflammatory syndrome. Also called: Autoinflammation with infantile enterocolitis. Identifiers: Orphanet 436166, MedGen C4015067, MONDO:0014472, OMIM 616050.
Familial cold autoinflammatory syndrome 4 (FCAS4). Identifiers: Orphanet 47045, Orphanet 576349, MedGen C4015276, MONDO:0014498, OMIM 616115.

Allele frequency attached by ClinVar (database versions not stated): gnomAD 0.00001; TOPMed 0.00002.

Submissions (2):

Ambry Genetics
Classification: Uncertain significance for Inborn genetic diseases. Last evaluated: 2025-08-30. Review status: criteria provided, single submitter. Criteria: Ambry Variant Classification Scheme 2023. Collection method: clinical testing. Allele origin: germline.

Labcorp Genetics (formerly Invitae), Labcorp
Classification: Uncertain significance for Periodic fever-infantile enterocolitis-autoinflammatory syndrome; Familial cold autoinflammatory syndrome 4. Last evaluated: 2022-11-26. Review status: criteria provided, single submitter. Criteria: Invitae Variant Classification Sherloc (09022015). Collection method: clinical testing. Allele origin: germline.
Comment: In summary, the available evidence is currently insufficient to determine the role of this variant in disease. Therefore, it has been classified as a Variant of Uncertain Significance. Advanced modeling of protein sequence and biophysical properties (such as structural, functional, and spatial information, amino acid conservation, physicochemical variation, residue mobility, and thermodynamic stability) performed at Invitae indicates that this missense variant is not expected to disrupt NLRC4 protein function. This variant has not been reported in the literature in individuals affected with NLRC4-related conditions. The frequency data for this variant in the population databases is considered unreliable, as metrics indicate poor data quality at this position in the gnomAD database. This sequence change replaces serine, which is neutral and polar, with proline, which is neutral and non-polar, at codon 113 of the NLRC4 protein (p.Ser113Pro).